The following is an entry in ClinVar:

ClinVar aggregate classification (germline): Benign (0 of 4 stars; one submission).

Conditions:
CELSR3-related disorder. Also called: CELSR3-related condition.

Allele frequency attached by ClinVar (database versions not stated): gnomAD exomes 0.00058; ESP Exome Variant Server 0.00077; gnomAD 0.00082; ExAC 0.00085; TOPMed 0.00096.
gnomAD v4.1: 1,037 of 1,588,644 alleles (0.065%); highest among the groups gnomAD compares: Admixed American, 0.061%; 12 homozygotes.

Submission:

PreventionGenetics, part of Exact Sciences
Classification: Benign for CELSR3-related condition. Last evaluated: 2019-07-10. Review status: no assertion criteria provided. Collection method: clinical testing. Allele origin: germline.
Comment: This variant is classified as benign based on ACMG/AMP sequence variant interpretation guidelines (Richards et al. 2015 PMID: 25741868, with internal and published modifications).

NM_001407.3(CELSR3):c.6027C>T (p.Asp2009=)

Gene: CELSR3 (cadherin EGF LAG seven-pass G-type receptor 3; minus strand). Cytogenetic location: 3p21.31.
Variant type: single nucleotide variant.
Coding change: c.6027C>T on transcript NM_001407.3 (MANE Select); coding-DNA position 6027, C replaced by T.
Protein change: p.Asp2009=; no amino-acid change (aspartic acid 2009 retained).
Molecular consequence: synonymous variant.
Genome position (GRCh38, 1-based): chr3:48,651,615, G>A on the plus strand (C>T on the coding strand, the complement: CELSR3 is on the minus strand). VCF-style: chr3-48651615-G-A. GRCh37 (hg19) VCF-style: chr3-48689048-G-A.
Identifiers: ClinVar variation 3050820 (VCV003050820.2), dbSNP rs138326407, ClinGen allele CA2384579.